The following is an entry in ClinVar:

NM_002292.4(LAMB2):c.2884+1del

Gene: LAMB2 (laminin subunit beta 2; minus strand). Cytogenetic location: 3p21.31.
Variant type: Deletion.
Coding change: c.2884+1del on transcript NM_002292.4 (MANE Select); the canonical splice donor site of the intron after coding-DNA position 2884, one base deleted (G; older notation c.2884+1delG).
Molecular consequence: splice donor variant.
Genome position (GRCh38, 1-based): chr3:49,125,005, C deleted on the plus strand (G on the coding strand, the reverse complement: LAMB2 is on the minus strand); the first of 3 consecutive C bases (chr3:49,125,005-49,125,007); deleting any one gives the same sequence. VCF-style (leftmost placement, unchanged base first): chr3-49125004-AC-A. GRCh37 (hg19) VCF-style: chr3-49162437-AC-A.
Identifiers: ClinVar variation 2116168 (VCV002116168.4), dbSNP rs2472540557, ClinGen allele CA2580070034.

ClinVar aggregate classification (germline): Pathogenic (1 of 4 stars; one submission).

Conditions:
LAMB2-related infantile-onset nephrotic syndrome. Also called: NEPHROTIC SYNDROME, TYPE 5, WITHOUT OCULAR ABNORMALITIES; NEPHROTIC SYNDROME, TYPE 5, WITH OCULAR ABNORMALITIES; Nephrotic Syndrome, type 5. Identifiers: Orphanet 306507, MedGen C3280113, MONDO:0013621, OMIM 614199.
Pierson syndrome. Also called: MICROCORIA-CONGENITAL NEPHROTIC SYNDROME. Identifiers: Orphanet 2670, MedGen C1836876, MONDO:0012184, OMIM 609049.

Submission:

Labcorp Genetics (formerly Invitae), Labcorp
Classification: Pathogenic for LAMB2-related infantile-onset nephrotic syndrome; Pierson syndrome. Last evaluated: 2023-10-25. Review status: criteria provided, single submitter. Criteria: Invitae Variant Classification Sherloc (09022015). Collection method: clinical testing. Allele origin: germline.
Comment: This sequence change creates a premature translational stop signal (p. Leu963Cysfs*188) in the LAMB2 gene. It is expected to result in an absent or disrupted protein product. Loss-of-function variants in LAMB2 are known to be pathogenic (PMID: 15367484). This variant is not present in population databases (gnomAD no frequency). This variant has not been reported in the literature in individuals affected with LAMB2-related conditions. This variant is also known as c.2884+1del. ClinVar contains an entry for this variant (Variation ID: 2116168). Algorithms developed to predict the effect of sequence changes on RNA splicing suggest that this variant may disrupt the consensus splice site. For these reasons, this variant has been classified as Pathogenic.

Literature cited by the submitters: PubMed 15367484.